The following is an entry in ClinVar:

ClinVar aggregate classification (germline): Uncertain significance (1 of 4 stars; one submission).

Conditions:
Developmental and epileptic encephalopathy, 23 (DEE23). Also called: Epileptic encephalopathy, early infantile, 23. Identifiers: Orphanet 411986, MedGen C4014492, MONDO:0014371, OMIM 615859.

Allele frequency attached by ClinVar (database versions not stated): gnomAD exomes below 0.00001.
gnomAD v4.1: 4 of 1,604,074 alleles (0.00025%); highest among the groups gnomAD compares: East Asian, 0.0089%; no homozygotes.

Submission:

Labcorp Genetics (formerly Invitae), Labcorp
Classification: Uncertain significance for Developmental and epileptic encephalopathy, 23. Last evaluated: 2020-10-03. Review status: criteria provided, single submitter. Criteria: Invitae Variant Classification Sherloc (09022015). Collection method: clinical testing. Allele origin: germline.
Comment: This sequence change replaces arginine with isoleucine at codon 178 of the DOCK7 protein (p.Arg178Ile). The arginine residue is moderately conserved and there is a moderate physicochemical difference between arginine and isoleucine. This variant is not present in population databases (ExAC no frequency). This variant has not been reported in the literature in individuals with DOCK7-related conditions. Algorithms developed to predict the effect of missense changes on protein structure and function (SIFT, PolyPhen-2, Align-GVGD) all suggest that this variant is likely to be tolerated, but these predictions have not been confirmed by published functional studies and their clinical significance is uncertain. In summary, the available evidence is currently insufficient to determine the role of this variant in disease. Therefore, it has been classified as a Variant of Uncertain Significance.

NM_001367561.1(DOCK7):c.533G>T (p.Arg178Ile)

Gene: DOCK7 (dedicator of cytokinesis 7; minus strand). Cytogenetic location: 1p31.3.
Variant type: single nucleotide variant.
Coding change: c.533G>T on transcript NM_001367561.1 (MANE Select); coding-DNA position 533, G replaced by T.
Protein change: p.Arg178Ile; replaces arginine 178 with isoleucine.
Molecular consequence: missense variant.
Genome position (GRCh38, 1-based): chr1:62,648,305, C>A on the plus strand (G>T on the coding strand, the complement: DOCK7 is on the minus strand). VCF-style: chr1-62648305-C-A. GRCh37 (hg19) VCF-style: chr1-63113976-C-A.
Other names: c.533G>T, p.Arg178Ile (NM_001271999.2, NM_001272000.2, NM_001272001.2 and 3 more transcripts); short protein forms R178I.
Identifiers: ClinVar variation 1024163 (VCV001024163.9), dbSNP rs973454938, ClinGen allele CA23790247.